The following is an entry in ClinVar:

NM_015559.3(SETBP1):c.3437G>A (p.Arg1146Gln)

Gene: SETBP1 (SET binding protein 1; plus strand). Cytogenetic location: 18q12.3.
Variant type: single nucleotide variant.
Coding change: c.3437G>A on transcript NM_015559.3 (MANE Select); coding-DNA position 3437, G replaced by A.
Protein change: p.Arg1146Gln; replaces arginine 1146 with glutamine.
Molecular consequence: missense variant.
Genome position (GRCh38, 1-based): chr18:44,952,777, G>A. VCF-style: chr18-44952777-G-A. GRCh37 (hg19) VCF-style: chr18-42532742-G-A.
Other names: c.3437G>A, p.Arg1146Gln (NM_001379141.1, NM_001379142.1, NM_001410862.1); short protein forms R1146Q.
Identifiers: ClinVar variation 3339101 (VCV003339101.3).

ClinVar aggregate classification (germline): Uncertain significance. Review status: criteria provided, multiple submitters, no conflicts (2 of 4 stars). 2 submissions from 2 submitters: Uncertain significance (2). Last evaluated 2024-12-24.

gnomAD v4.1: 16 of 1,613,890 alleles (0.00099%); highest among the groups gnomAD compares: African/African-American, 0.0053%; no homozygotes.

Submissions (2):

Labcorp Genetics (formerly Invitae), Labcorp
Classification: Uncertain significance. Last evaluated: 2024-12-24. Review status: criteria provided, single submitter. Criteria: Invitae Variant Classification Sherloc (09022015). Collection method: clinical testing. Allele origin: germline.
Comment: This sequence change replaces arginine, which is basic and polar, with glutamine, which is neutral and polar, at codon 1146 of the SETBP1 protein (p.Arg1146Gln). This variant is present in population databases (rs773339586, gnomAD 0.007%). This variant has not been reported in the literature in individuals affected with SETBP1-related conditions. Invitae Evidence Modeling of protein sequence and biophysical properties (such as structural, functional, and spatial information, amino acid conservation, physicochemical variation, residue mobility, and thermodynamic stability) indicates that this missense variant is expected to disrupt SETBP1 protein function with a positive predictive value of 80%. In summary, the available evidence is currently insufficient to determine the role of this variant in disease. Therefore, it has been classified as a Variant of Uncertain Significance.

Women's Health and Genetics/Laboratory Corporation of America, LabCorp
Classification: Uncertain significance. Last evaluated: 2024-07-05. Review status: criteria provided, single submitter. Criteria: LabCorp Variant Classification Summary - May 2015. Collection method: clinical testing. Allele origin: germline.
Comment: Variant summary: SETBP1 c.3437G>A (p.Arg1146Gln) results in a conservative amino acid change in the encoded protein sequence. Two of four in-silico tools predict a benign effect of the variant on protein function. The variant allele was found at a frequency of 1.2e-05 in 251270 control chromosomes. The available data on variant occurrences in the general population are insufficient to allow any conclusion about variant significance. To our knowledge, no occurrence of c.3437G>A in individuals affected with SETBP1-Related Disorders and no experimental evidence demonstrating its impact on protein function have been reported. No submitters have cited clinical-significance assessments for this variant to ClinVar. Based on the evidence outlined above, the variant was classified as uncertain significance.